The following is an entry in ClinVar:

NM_001371904.1(APOA5):c.578C>T (p.Pro193Leu)

Gene: APOA5 (apolipoprotein A5; minus strand). Cytogenetic location: 11q23.3.
Variant type: single nucleotide variant.
Coding change: c.578C>T on transcript NM_001371904.1 (MANE Select); coding-DNA position 578, C replaced by T.
Protein change: p.Pro193Leu; replaces proline 193 with leucine.
Molecular consequence: missense variant.
Genome position (GRCh38, 1-based): chr11:116,790,651, G>A on the plus strand (C>T on the coding strand, the complement: APOA5 is on the minus strand). VCF-style: chr11-116790651-G-A. GRCh37 (hg19) VCF-style: chr11-116661367-G-A.
Other names: c.578C>T, p.Pro193Leu (NM_001166598.2, NM_052968.5); c.578C>T (NM_052968.4); short protein forms P193L.
Identifiers: ClinVar variation 2417683 (VCV002417683.9), dbSNP rs761948955, ClinGen allele CA6289049.
Genomic context (GRCh38, chr11:116,790,651, plus strand): 5'-ACACTGCGGTGCAGCTCCTGCACGTGGCGCCCGATGCCGCTCACCAGGCTCTCGGCGTAT[G>A]GGTGGAAGAGCTCTTTGAAGCGGCCGGTGTGGTGCACCACGCGGCTCTGCAGTCCCTGCA-3'
Protein context (NP_001358833.1, residues 183-203): HTGRFKELFH[Pro193Leu]YAESLVSGIG

ClinVar aggregate classification (germline): Uncertain significance. Review status: criteria provided, multiple submitters, no conflicts (2 of 4 stars). 3 submissions from 3 submitters: Uncertain significance (2). 1 of the submissions does not count toward it. Last evaluated 2025-08-18.

Conditions:
Cardiovascular phenotype. Identifiers: MedGen CN230736.
Familial type 5 hyperlipoproteinemia. Also called: HYPERCHYLOMICRONEMIA WITH HYPERPREBETALIPOPROTEINEMIA, FAMILIAL; Hyperlipoproteinemia Type V. Identifiers: Orphanet 530849, MedGen C0020481, MONDO:0007762, OMIM 144650.

Allele frequency attached by ClinVar (database versions not stated): ExAC 0.00002.

Submissions (3):

Ambry Genetics
Classification: Uncertain significance for Cardiovascular phenotype. Last evaluated: 2025-08-18. Review status: criteria provided, single submitter. Criteria: Ambry Variant Classification Scheme 2023. Collection method: clinical testing. Allele origin: germline.
Comment: The p.P193L variant (also known as c.578C>T), located in coding exon 3 of the APOA5 gene, results from a C to T substitution at nucleotide position 578. The proline at codon 193 is replaced by leucine, an amino acid with similar properties. This variant was reported in individual(s) with features consistent with dyslipidemia (Deshotels MR et al. Arterioscler Thromb Vasc Biol, 2022 Dec;42:1461-1467). This amino acid position is highly conserved in available vertebrate species. In addition, this alteration is predicted to be deleterious by in silico analysis. Based on the available evidence, the clinical significance of this variant remains unclear.

Labcorp Genetics (formerly Invitae), Labcorp
Classification: Uncertain significance. Last evaluated: 2022-03-26. Review status: criteria provided, single submitter. Criteria: Invitae Variant Classification Sherloc (09022015). Collection method: clinical testing. Allele origin: germline.
Comment: In summary, the available evidence is currently insufficient to determine the role of this variant in disease. Therefore, it has been classified as a Variant of Uncertain Significance. Algorithms developed to predict the effect of missense changes on protein structure and function (SIFT, PolyPhen-2, Align-GVGD) all suggest that this variant is likely to be disruptive. This missense change has been observed in individual(s) with clinical features of dyslipidemia (PMID: 32041611). This variant is present in population databases (rs761948955, gnomAD 0.03%). This sequence change replaces proline, which is neutral and non-polar, with leucine, which is neutral and non-polar, at codon 193 of the APOA5 protein (p.Pro193Leu).

Cardiovascular Genetics Laboratory, PathWest Laboratory Medicine WA - Fiona Stanley Hospital
Classification: Uncertain significance for Familial type 5 hyperlipoproteinemia. Last evaluated: 2024-07-23. Review status: no assertion criteria provided. Criteria: ACMG Guidelines, 2015. Collection method: clinical testing. Allele origin: germline. Affected: yes. Not counted in ClinVar's aggregate classification.

Literature cited by the submitters: PubMed 36325899 (cited by Ambry Genetics); PubMed 32041611 (cited by Labcorp Genetics (formerly Invitae), Labcorp).